The following is an entry in ClinVar:

ClinVar aggregate classification (germline): Pathogenic/Likely pathogenic. Review status: criteria provided, multiple submitters, no conflicts (2 of 4 stars). 2 submissions from 2 submitters: Pathogenic (1); Likely pathogenic (1). Last evaluated 2022-08-30.

Conditions:
CIB2-related disorders.

Submissions (2):

Blueprint Genetics
Classification: Likely pathogenic for CIB2-related disorders. Last evaluated: 2022-08-30. Review status: criteria provided, single submitter. Criteria: ACMG Guidelines, 2015. Collection method: clinical testing. Allele origin: germline. Affected: yes. Observed: 4 variant alleles.

Labcorp Genetics (formerly Invitae), Labcorp
Classification: Pathogenic. Last evaluated: 2021-06-03. Review status: criteria provided, single submitter. Criteria: Invitae Variant Classification Sherloc (09022015). Collection method: clinical testing. Allele origin: germline.
Comment: For these reasons, this variant has been classified as Pathogenic. This variant has not been reported in the literature in individuals with CIB2-related conditions. This variant is present in population databases (rs762127980, ExAC 0.002%). This sequence change creates a premature translational stop signal (p.Glu105Alafs*11) in the CIB2 gene. It is expected to result in an absent or disrupted protein product. Loss-of-function variants in CIB2 are known to be pathogenic (PMID: 26173970, 26226137, 26445815).

Literature cited by the submitters: PubMed 26173970 (cited by Labcorp Genetics (formerly Invitae), Labcorp); PubMed 26226137 (cited by Labcorp Genetics (formerly Invitae), Labcorp); PubMed 26445815 (cited by Labcorp Genetics (formerly Invitae), Labcorp).

NM_006383.4(CIB2):c.309_310del (p.Glu105fs)

Gene: CIB2 (calcium and integrin binding family member 2; minus strand). Cytogenetic location: 15q25.1.
Variant type: Deletion.
Coding change: c.309_310del on transcript NM_006383.4 (MANE Select); coding-DNA positions 309 to 310, 2 bases deleted (CC; older notation c.309_310delCC).
Protein change: p.Glu105fs; shifts the reading frame from glutamic acid 105.
Molecular consequence: frameshift variant. On other transcripts: non-coding transcript variant (1).
Genome position (GRCh38, 1-based): chr15:78,109,271-78,109,272, GG deleted on the plus strand (CC on the coding strand, the reverse complement: CIB2 is on the minus strand); deleting any 2 consecutive bases within chr15:78,109,271-78,109,274 gives the same sequence; the c. name uses the placement nearest the transcript's 3' end. VCF-style (leftmost placement, unchanged base first): chr15-78109270-CGG-C. GRCh37 (hg19) VCF-style: chr15-78401612-CGG-C.
Other names: c.180_181del, p.Glu62fs (NM_001271888.2); c.162_163del, p.Glu56fs (NM_001271889.2); c.324_325del, p.Glu110fs (NM_001301224.2); short protein forms E105fs, E62fs, E110fs, E56fs.
Identifiers: ClinVar variation 1454880 (VCV001454880.7), dbSNP rs762127980, ClinGen allele CA7680236.
Genomic context (GRCh38, chr15:78,109,270, plus strand): 5'-GGCCCCCTCCTCTAGCCCTGGTTACCATAGATCTTGAAGGCATAGTTTGCCTTGAGCTCT[CGG>C]GGAGCCGACTCGCAGAGCACGGAAAACATGTCCACAAAGTCGTTGAAAGTGAGGTTCCCC-3'